The following is an entry in ClinVar:

NM_030632.3(ASXL3):c.3423_3429del (p.Asn1141fs)

Gene: ASXL3 (ASXL transcriptional regulator 3; plus strand). Cytogenetic location: 18q12.1.
Variant type: Deletion.
Coding change: c.3423_3429del on transcript NM_030632.3 (MANE Select); coding-DNA positions 3423 to 3429, 7 bases deleted (CTTAGAA; older notation c.3423_3429delCTTAGAA).
Protein change: p.Asn1141fs; shifts the reading frame from asparagine 1141.
Molecular consequence: frameshift variant.
Genome position (GRCh38, 1-based): chr18:33,743,271-33,743,277, CTTAGAA deleted; deleting any 7 consecutive bases within chr18:33,743,269-33,743,277 gives the same sequence; the c. name uses the placement nearest the transcript's 3' end. VCF-style (leftmost placement, unchanged base first): chr18-33743268-AAACTTAG-A. GRCh37 (hg19) VCF-style: chr18-31323232-AAACTTAG-A.
Other names: short protein forms N1141fs.
Identifiers: ClinVar variation 976033 (VCV000976033.2), dbSNP rs2067697776, ClinGen allele CA1139666031.

ClinVar aggregate classification (germline): Conflicting classifications of pathogenicity. Review status: criteria provided, conflicting classifications (1 of 4 stars). 2 submissions from 1 submitter: Likely pathogenic (1); Uncertain significance (1). Last evaluated 2020-08-03.

Conditions:
Bainbridge-Ropers syndrome. Also called: Severe feeding difficulties-failure to thrive-microcephaly due to ASXL3 deficiency syndrome. Identifiers: Orphanet 352577, MedGen C4750837, MONDO:0014205, OMIM 615485.
Intellectual disability. Also called: Intellectual functioning disability; Intellectual developmental disorder; intellectual disabilities. Identifiers: MedGen C3714756, MeSH D008607, MONDO:0001071, HP:0001249.

Submissions (2):

Institute of Human Genetics, University of Leipzig Medical Center
Classification: Likely pathogenic for Intellectual disability. Last evaluated: 2020-08-03. Review status: criteria provided, single submitter. Criteria: ACMG Guidelines, 2015. Collection method: clinical testing. Allele origin: unknown. Affected: yes.
Comment: The variant likely explains the NDD in this individual.

Institute of Human Genetics, University of Leipzig Medical Center
Classification: Uncertain significance for Bainbridge-Ropers syndrome. Last evaluated: 2019-04-05. Review status: criteria provided, single submitter. Criteria: ACMG Guidelines, 2015. Collection method: clinical testing. Allele origin: germline. Affected: yes. Observed: 1 variant allele.